The following is an entry in ClinVar:

NM_002578.5(PAK3):c.1228G>A (p.Ala410Thr)

Gene: PAK3 (p21 (RAC1) activated kinase 3; plus strand). Cytogenetic location: Xq23.
Variant type: single nucleotide variant.
Coding change: c.1228G>A on transcript NM_002578.5 (MANE Select); coding-DNA position 1228, G replaced by A.
Protein change: p.Ala410Thr; replaces alanine 410 with threonine.
Molecular consequence: missense variant. On other transcripts: non-coding transcript variant (2).
Genome position (GRCh38, 1-based): chrX:111,196,461, G>A. VCF-style: chrX-111196461-G-A. GRCh37 (hg19) VCF-style: chrX-110439689-G-A.
Other names: c.1228G>A, p.Ala410Thr (NM_001128166.3, NM_001128167.3, NM_001324325.2 and 5 more transcripts); c.1336G>A, p.Ala446Thr (NM_001128168.3); c.1291G>A, p.Ala431Thr (NM_001128172.2); c.1273G>A, p.Ala425Thr (NM_001128173.3, NM_001324327.2, NM_001324328.2 and 2 more transcripts); short protein forms A410T, A425T, A446T, A431T.
Identifiers: ClinVar variation 1371362 (VCV001371362.6), dbSNP rs2149331709, ClinGen allele CA414239159.

ClinVar aggregate classification (germline): Uncertain significance (1 of 4 stars; one submission).

Submission:

Labcorp Genetics (formerly Invitae), Labcorp
Classification: Uncertain significance. Last evaluated: 2021-08-07. Review status: criteria provided, single submitter. Criteria: Invitae Variant Classification Sherloc (09022015). Collection method: clinical testing. Allele origin: germline.
Comment: This sequence change replaces alanine with threonine at codon 410 of the PAK3 protein (p.Ala410Thr). The alanine residue is highly conserved and there is a small physicochemical difference between alanine and threonine. This variant is not present in population databases (ExAC no frequency). This variant has not been reported in the literature in individuals affected with PAK3-related conditions. Algorithms developed to predict the effect of missense changes on protein structure and function are either unavailable or do not agree on the potential impact of this missense change (SIFT: "Not Available"; PolyPhen-2: "Probably Damaging"; Align-GVGD: "Not Available"). In summary, the available evidence is currently insufficient to determine the role of this variant in disease. Therefore, it has been classified as a Variant of Uncertain Significance.